The following is an entry in ClinVar:

ClinVar aggregate classification (germline): Uncertain significance (1 of 4 stars; one submission).

Conditions:
Joubert syndrome 15 (JBTS15). Identifiers: Orphanet 475, MedGen C3280897, MONDO:0013763, OMIM 614464.

Submission:

Labcorp Genetics (formerly Invitae), Labcorp
Classification: Uncertain significance for Joubert syndrome 15. Last evaluated: 2021-04-12. Review status: criteria provided, single submitter. Criteria: Invitae Variant Classification Sherloc (09022015). Collection method: clinical testing. Allele origin: germline.
Comment: Algorithms developed to predict the effect of missense changes on protein structure and function (SIFT, PolyPhen-2, Align-GVGD) all suggest that this variant is likely to be disruptive, but these predictions have not been confirmed by published functional studies and their clinical significance is uncertain. In summary, the available evidence is currently insufficient to determine the role of this variant in disease. Therefore, it has been classified as a Variant of Uncertain Significance. This variant has not been reported in the literature in individuals with CEP41-related conditions. This variant is not present in population databases (ExAC no frequency). This sequence change replaces serine with cysteine at codon 96 of the CEP41 protein (p.Ser96Cys). The serine residue is highly conserved and there is a moderate physicochemical difference between serine and cysteine.

NM_018718.3(CEP41):c.287C>G (p.Ser96Cys)

Gene: CEP41 (centrosomal protein 41; minus strand). Cytogenetic location: 7q32.2.
Variant type: single nucleotide variant.
Coding change: c.287C>G on transcript NM_018718.3 (MANE Select); coding-DNA position 287, C replaced by G.
Protein change: p.Ser96Cys; replaces serine 96 with cysteine.
Molecular consequence: missense variant. On other transcripts: non-coding transcript variant (1).
Genome position (GRCh38, 1-based): chr7:130,404,699, G>C on the plus strand (C>G on the coding strand, the complement: CEP41 is on the minus strand). VCF-style: chr7-130404699-G-C. GRCh37 (hg19) VCF-style: chr7-130044540-G-C.
Other names: c.287C>G, p.Ser96Cys (NM_001257158.2); c.239C>G, p.Ser80Cys (NM_001257159.2); short protein forms S80C, S96C.
Identifiers: ClinVar variation 1471802 (VCV001471802.8), dbSNP rs2117574982, ClinGen allele CA369289437.
Genomic context (GRCh38, chr7:130,404,699, plus strand): 5'-CCTGGATTTCCTTTCCCATTGGTCCTGGCAGTGGTTTCAGCATCAGGGTCTGAAGCTGCA[G>C]AATCATTGTCTAATATTTACAAATGAAGAAATAATTAGATTGAACCTCAGGATTTGTATT-3'
Protein context (NP_061188.1, residues 86-106): EEIQRLEDND[Ser96Cys]AASDPDAETT